The following is an entry in ClinVar:

NM_002017.5(FLI1):c.510G>A (p.Met170Ile)

Gene: FLI1 (Fli-1 proto-oncogene, ETS transcription factor; plus strand). Cytogenetic location: 11q24.3.
Variant type: single nucleotide variant.
Coding change: c.510G>A on transcript NM_002017.5 (MANE Select); coding-DNA position 510, G replaced by A.
Protein change: p.Met170Ile; replaces methionine 170 with isoleucine.
Molecular consequence: missense variant. On other transcripts: intron variant (1).
Genome position (GRCh38, 1-based): chr11:128,772,906, G>A. VCF-style: chr11-128772906-G-A. GRCh37 (hg19) VCF-style: chr11-128642801-G-A.
Other names: c.411G>A, p.Met137Ile (NM_001167681.3, NM_001440369.1, NM_001440370.1 and 1 more transcripts); c.312G>A, p.Met104Ile (NM_001271010.2); c.510G>A, p.Met170Ile (NM_001440372.1); c.11-9052G>A (NM_001271012.2); short protein forms M104I, M137I, M170I.
Identifiers: ClinVar variation 4821807 (VCV004821807.4).
Genomic context (GRCh38, chr11:128,772,906, plus strand): 5'-CTTGATGGAGATCGACACATCCTTTTTCCAGAACATGGATGGCAAGGAACTGTGTAAAAT[G>A]AACAAGGAGGACTTCCTCCGCGCCACCACCCTCTACAACACGGAAGTGCTGTTGTCACAC-3'
Protein context (NP_002008.2, residues 160-180): QNMDGKELCK[Met170Ile]NKEDFLRATT

ClinVar aggregate classification (germline): Uncertain significance (1 of 4 stars; one submission).

Submission:

CeGaT Center for Human Genetics Tuebingen
Classification: Uncertain significance. Last evaluated: 2026-01-01. Review status: criteria provided, single submitter. Criteria: CeGaT Center For Human Genetics Tuebingen Variant Classification Criteria Version 2. Collection method: clinical testing. Allele origin: germline. Affected: yes. Observed: 1 variant allele.
Comment: FLI1: PM2